The following is an entry in ClinVar:

ClinVar aggregate classification (germline): Uncertain significance. Review status: criteria provided, multiple submitters, no conflicts (2 of 4 stars). 2 submissions from 2 submitters: Uncertain significance (2). Last evaluated 2025-06-20.

Allele frequency attached by ClinVar (database versions not stated): TOPMed 0.00001.

Submissions (2):

Labcorp Genetics (formerly Invitae), Labcorp
Classification: Uncertain significance. Last evaluated: 2025-06-20. Review status: criteria provided, single submitter. Criteria: Invitae Variant Classification Sherloc (09022015). Collection method: clinical testing. Allele origin: germline.
Comment: This sequence change replaces glutamic acid, which is acidic and polar, with aspartic acid, which is acidic and polar, at codon 395 of the PPP2R5D protein (p.Glu395Asp). This variant is not present in population databases (gnomAD no frequency). This variant has not been reported in the literature in individuals affected with PPP2R5D-related conditions. ClinVar contains an entry for this variant (Variation ID: 1716114). An algorithm developed to predict the effect of missense changes on protein structure and function (PolyPhen-2) suggests that this variant is likely to be tolerated. In summary, the available evidence is currently insufficient to determine the role of this variant in disease. Therefore, it has been classified as a Variant of Uncertain Significance.

GeneDx
Classification: Uncertain significance. Last evaluated: 2024-06-03. Review status: criteria provided, single submitter. Criteria: GeneDx Variant Classification Process June 2021. Collection method: clinical testing. Allele origin: germline. Affected: yes.
Comment: Not observed at significant frequency in large population cohorts (gnomAD); In silico analysis supports that this missense variant has a deleterious effect on protein structure/function; Has not been previously published as pathogenic or benign to our knowledge

NM_006245.4(PPP2R5D):c.1185G>C (p.Glu395Asp)

Gene: PPP2R5D (protein phosphatase 2 regulatory subunit B'delta; plus strand). Cytogenetic location: 6p21.1.
Variant type: single nucleotide variant.
Coding change: c.1185G>C on transcript NM_006245.4 (MANE Select); coding-DNA position 1185, G replaced by C.
Protein change: p.Glu395Asp; replaces glutamic acid 395 with aspartic acid.
Molecular consequence: missense variant.
Genome position (GRCh38, 1-based): chr6:43,009,161, G>C. VCF-style: chr6-43009161-G-C. GRCh37 (hg19) VCF-style: chr6-42976899-G-C.
Other names: c.1185G>C (NM_006245.3); c.732G>C, p.Glu244Asp (NM_001270476.2); c.1089G>C, p.Glu363Asp (NM_180976.3); c.867G>C, p.Glu289Asp (NM_180977.3); short protein forms E244D, E289D, E363D, E395D.
Identifiers: ClinVar variation 1716114 (VCV001716114.6), dbSNP rs753685127, ClinGen allele CA364193762.
Genomic context (GRCh38, chr6:43,009,161, plus strand): 5'-CAAGGAGGTGATGTTCTTGAATGAGCTGGAGGAGATTCTGGACGTCATTGAACCTTCTGA[G>C]TTCAGCAAAGTGATGGAACCCCTCTTCCGCCAGCTGGCCAAGTGTGTCTCTAGCCCCCAT-3'
Protein context (NP_006236.1, residues 385-405): EEILDVIEPS[Glu395Asp]FSKVMEPLFR